The following is an entry in ClinVar:

NM_001164508.2(NEB):c.9776G>A (p.Arg3259Gln)

Gene: NEB (nebulin; minus strand). Cytogenetic location: 2q23.3.
Variant type: single nucleotide variant.
Coding change: c.9776G>A on transcript NM_001164508.2 (MANE Select); coding-DNA position 9776, G replaced by A.
Protein change: p.Arg3259Gln; replaces arginine 3259 with glutamine.
Molecular consequence: missense variant.
Genome position (GRCh38, 1-based): chr2:151,629,594, C>T on the plus strand (G>A on the coding strand, the complement: NEB is on the minus strand). VCF-style: chr2-151629594-C-T. GRCh37 (hg19) VCF-style: chr2-152486108-C-T.
Other names: c.9776G>A, p.Arg3259Gln (NM_001164507.2, NM_001271208.2); c.9047G>A, p.Arg3016Gln (NM_004543.5); short protein forms R3016Q, R3259Q.
Identifiers: ClinVar variation 964982 (VCV000964982.16), dbSNP rs200930670, ClinGen allele CA1909208.
Genomic context (GRCh38, chr2:151,629,594, plus strand): 5'-CTCACATCACTGATAACGTCCCTGGAGGCCTTGGCAGCCACGATGGGGATGGCGTCACTT[C>T]GCAAGTCGTAGCCTTTCTTTTTTGCTTCTTCATTGGCAAGTTTGTATAGAGTCTATGAAA-3'
Protein context (NP_001157980.2, residues 3249-3269): EEAKKKGYDL[Arg3259Gln]SDAIPIVAAK

ClinVar aggregate classification (germline): Conflicting classifications of pathogenicity. Review status: criteria provided, conflicting classifications (1 of 4 stars). 4 submissions from 4 submitters: Uncertain significance (1); Benign (1); Likely benign (1). 1 of the submissions does not count toward it. Last evaluated 2026-04-01.

Conditions:
Nemaline myopathy 2 (NEM2). Also called: Nemaline myopathy 2, autosomal recessive. Identifiers: MedGen C1850569, MONDO:0009725, OMIM 256030.

Allele frequency attached by ClinVar (database versions not stated): TOPMed 0.00017; 1000 Genomes Project 30x 0.00047.
gnomAD v4.1: 52 of 1,613,742 alleles (0.0032%); highest among the groups gnomAD compares: African/African-American, 0.044%; 1 homozygote.

Submissions (4):

CeGaT Center for Human Genetics Tuebingen
Classification: Likely benign. Last evaluated: 2026-04-01. Review status: criteria provided, single submitter. Criteria: CeGaT Center For Human Genetics Tuebingen Variant Classification Criteria Version 2. Collection method: clinical testing. Allele origin: germline. Affected: yes. Observed: 1 variant allele.
Comment: NEB: BP4

Labcorp Genetics (formerly Invitae), Labcorp
Classification: Benign for Nemaline myopathy 2. Last evaluated: 2026-01-20. Review status: criteria provided, single submitter. Criteria: Invitae Variant Classification Sherloc (09022015). Collection method: clinical testing. Allele origin: germline.

Revvity Omics, Revvity
Classification: Uncertain significance. Last evaluated: 2021-12-14. Review status: criteria provided, single submitter. Criteria: ACMG Guidelines, 2015. Collection method: clinical testing. Allele origin: germline.

Natera, Inc.
Classification: Uncertain significance for Nemaline myopathy type 2. Last evaluated: 2020-01-17. Review status: no assertion criteria provided. Collection method: clinical testing. Allele origin: germline. Not counted in ClinVar's aggregate classification.